The following is an entry in ClinVar:

NC_000010.10:g.(?_13320301)_(13342042_?)del

Gene: PHYH (phytanoyl-CoA 2-hydroxylase; minus strand). Cytogenetic location: 10p13.
Variant type: Deletion.
Identifiers: ClinVar variation 3244975 (VCV003244975.1).

ClinVar aggregate classification (germline): Pathogenic (1 of 4 stars; one submission).

Submission:

Labcorp Genetics (formerly Invitae), Labcorp
Classification: Pathogenic. Last evaluated: 2024-01-19. Review status: criteria provided, single submitter. Criteria: Invitae Variant Classification Sherloc (09022015). Collection method: clinical testing. Allele origin: unknown.
Comment: A gross deletion of the genomic region encompassing the full coding sequence of the PHYH gene has been identified. Loss-of-function variants in PHYH are known to be pathogenic (PMID: 9326940, 14974078). The boundaries of this event are unknown as they extend beyond the assayed region for this gene and therefore may encompass additional genes. This variant has not been reported in the literature in individuals affected with PHYH-related conditions. For these reasons, this variant has been classified as Pathogenic.

Literature cited by the submitters: PubMed 9326940; PubMed 14974078.